The following is an entry in ClinVar:

ClinVar aggregate classification (germline): Pathogenic (1 of 4 stars; one submission).

Conditions:
Autosomal recessive polycystic kidney disease (ARPKD). Also called: AR polycystic kidney disease. Identifiers: Orphanet 731, Orphanet 8378, MedGen C0085548, MeSH D017044, MONDO:0009889.

Submission:

Labcorp Genetics (formerly Invitae), Labcorp
Classification: Pathogenic for Autosomal recessive polycystic kidney disease. Last evaluated: 2025-07-18. Review status: criteria provided, single submitter. Criteria: Invitae Variant Classification Sherloc (09022015). Collection method: clinical testing. Allele origin: germline.
Comment: This sequence change creates a premature translational stop signal (p.Tyr3184*) in the PKHD1 gene. It is expected to result in an absent or disrupted protein product. Loss-of-function variants in PKHD1 are known to be pathogenic (PMID: 19940839). This variant is not present in population databases (gnomAD no frequency). This variant has not been reported in the literature in individuals affected with PKHD1-related conditions. Algorithms developed to predict the effect of sequence changes on RNA splicing suggest that this variant may create or strengthen a splice site. For these reasons, this variant has been classified as Pathogenic.

Literature cited by the submitters: PubMed 19940839.

NM_138694.4(PKHD1):c.9552T>A (p.Tyr3184Ter)

Gene: PKHD1 (PKHD1 ciliary IPT domain containing fibrocystin/polyductin; minus strand). Cytogenetic location: 6p12.3.
Variant type: single nucleotide variant.
Coding change: c.9552T>A on transcript NM_138694.4 (MANE Select); coding-DNA position 9552, T replaced by A.
Protein change: p.Tyr3184Ter; replaces tyrosine 3184 with a stop codon.
Molecular consequence: nonsense.
Genome position (GRCh38, 1-based): chr6:51,748,064, A>T on the plus strand (T>A on the coding strand, the complement: PKHD1 is on the minus strand). VCF-style: chr6-51748064-A-T. GRCh37 (hg19) VCF-style: chr6-51612862-A-T.
Other names: c.9552T>A, p.Tyr3184Ter (NM_170724.3); short protein forms Y3184*.
Identifiers: ClinVar variation 4692266 (VCV004692266.1).